The following is an entry in ClinVar:

ClinVar aggregate classification (germline): Uncertain significance (1 of 4 stars; one submission).

Conditions:
Joubert syndrome 18 (JBTS18). Identifiers: Orphanet 2754, MedGen C3553758, MONDO:0013896, OMIM 614815.
Orofacial-digital syndrome IV (OFD4). Also called: Orofaciodigital syndrome IV; BARAITSER-BURN SYNDROME; MOHR-MAJEWSKI SYNDROME; OFD SYNDROME WITH TIBIAL DEFECTS; OFD SYNDROME, BARAITSER-BURN TYPE; OFDS IV. Identifiers: Orphanet 2753, MedGen C0406727, MONDO:0009794, OMIM 258860.

Submission:

Labcorp Genetics (formerly Invitae), Labcorp
Classification: Uncertain significance for Joubert syndrome 18; Orofacial-digital syndrome IV. Last evaluated: 2021-10-03. Review status: criteria provided, single submitter. Criteria: Invitae Variant Classification Sherloc (09022015). Collection method: clinical testing. Allele origin: germline.
Comment: In summary, the available evidence is currently insufficient to determine the role of this variant in disease. Therefore, it has been classified as a Variant of Uncertain Significance. Algorithms developed to predict the effect of missense changes on protein structure and function output the following: SIFT: "Tolerated"; PolyPhen-2: "Benign"; Align-GVGD: "Class C0". The leucine amino acid residue is found in multiple mammalian species, which suggests that this missense change does not adversely affect protein function. This variant has not been reported in the literature in individuals affected with TCTN3-related conditions. This variant is not present in population databases (ExAC no frequency). This sequence change replaces proline with leucine at codon 205 of the TCTN3 protein (p.Pro205Leu). The proline residue is moderately conserved and there is a moderate physicochemical difference between proline and leucine.

NM_015631.6(TCTN3):c.614C>T (p.Pro205Leu)

Gene: TCTN3 (tectonic family member 3; minus strand). Cytogenetic location: 10q24.1.
Variant type: single nucleotide variant.
Coding change: c.614C>T on transcript NM_015631.6 (MANE Select); coding-DNA position 614, C replaced by T.
Protein change: p.Pro205Leu; replaces proline 205 with leucine.
Molecular consequence: missense variant. On other transcripts: intron variant (1).
Genome position (GRCh38, 1-based): chr10:95,687,605, G>A on the plus strand (C>T on the coding strand, the complement: TCTN3 is on the minus strand). VCF-style: chr10-95687605-G-A. GRCh37 (hg19) VCF-style: chr10-97447362-G-A.
Other names: c.500-446C>T (NM_001143973.2); short protein forms P205L.
Identifiers: ClinVar variation 1478643 (VCV001478643.6), dbSNP rs2139750466, ClinGen allele CA377708450.